The following is an entry in ClinVar:

ClinVar aggregate classification (germline): Likely benign. Review status: criteria provided, multiple submitters, no conflicts (2 of 4 stars). 4 submissions from 4 submitters: Likely benign (2). 2 of the submissions do not count toward it. Last evaluated 2025-06-17.

Conditions:
Retinal dystrophy. Also called: Inherited retinal dystrophy. Identifiers: Orphanet 71862, MedGen C0854723, MeSH D058499, MONDO:0019118, HP:0000556.
ZNF408-related disorder. Also called: ZNF408-related condition.

Allele frequency attached by ClinVar (database versions not stated): gnomAD 0.00002 and 0.00016; TOPMed 0.00004; ESP Exome Variant Server 0.00008; gnomAD exomes 0.00034 and 0.00060; 1000 Genomes Project 0.00040; 1000 Genomes Project 30x 0.00062; ExAC 0.00069.
gnomAD v4.1: 516 of 1,613,864 alleles (0.032%); highest among the groups gnomAD compares: South Asian, 0.54%; 3 homozygotes.

Submissions (4):

Labcorp Genetics (formerly Invitae), Labcorp
Classification: Likely benign. Last evaluated: 2025-06-17. Review status: criteria provided, single submitter. Criteria: Invitae Variant Classification Sherloc (09022015). Collection method: clinical testing. Allele origin: germline.

Blueprint Genetics
Classification: Likely benign. Last evaluated: 2024-10-25. Review status: criteria provided, single submitter. Criteria: ACMG Guidelines, 2015. Collection method: clinical testing. Allele origin: germline.

PreventionGenetics, part of Exact Sciences
Classification: Likely benign for ZNF408-related condition. Last evaluated: 2024-06-19. Review status: no assertion criteria provided. Collection method: clinical testing. Allele origin: germline. Not counted in ClinVar's aggregate classification.
Comment: This variant is classified as likely benign based on ACMG/AMP sequence variant interpretation guidelines (Richards et al. 2015 PMID: 25741868, with internal and published modifications).

Institute of Human Genetics, Univ. Regensburg, Univ. Regensburg
Classification: Uncertain significance for Retinal dystrophy. Last evaluated: 2022-01-01. Review status: no assertion criteria provided. Criteria: ACMG Guidelines, 2015. Collection method: clinical testing. Allele origin: germline. Affected: yes. Not counted in ClinVar's aggregate classification.

NM_024741.3(ZNF408):c.833A>G (p.Asn278Ser)

Gene: ZNF408 (zinc finger protein 408; plus strand). Cytogenetic location: 11p11.2.
Variant type: single nucleotide variant.
Coding change: c.833A>G on transcript NM_024741.3 (MANE Select); coding-DNA position 833, A replaced by G.
Protein change: p.Asn278Ser; replaces asparagine 278 with serine.
Molecular consequence: missense variant.
Genome position (GRCh38, 1-based): chr11:46,704,533, A>G. VCF-style: chr11-46704533-A-G. GRCh37 (hg19) VCF-style: chr11-46726083-A-G.
Other names: c.809A>G, p.Asn270Ser (NM_001184751.2); c.833A>G (NM_024741.2); short protein forms N270S, N278S.
Identifiers: ClinVar variation 1591423 (VCV001591423.11), dbSNP rs371159153, ClinGen allele CA5966439.